The following is an entry in ClinVar:

NM_001009944.3(PKD1):c.6832G>A (p.Gly2278Arg)

Gene: PKD1 (polycystin 1, transient receptor potential channel interacting; minus strand). Cytogenetic location: 16p13.3.
Variant type: single nucleotide variant.
Coding change: c.6832G>A on transcript NM_001009944.3 (MANE Select); coding-DNA position 6832, G replaced by A.
Protein change: p.Gly2278Arg; replaces glycine 2278 with arginine.
Molecular consequence: missense variant.
Genome position (GRCh38, 1-based): chr16:2,108,335, C>T on the plus strand (G>A on the coding strand, the complement: PKD1 is on the minus strand). VCF-style: chr16-2108335-C-T. GRCh37 (hg19) VCF-style: chr16-2158336-C-T.
Other names: c.6832G>A, p.Gly2278Arg (NM_000296.4); short protein forms G2278R.
Identifiers: ClinVar variation 433975 (VCV000433975.4), dbSNP rs1555454145, ClinGen allele CA394372808.

ClinVar aggregate classification (germline): Likely pathogenic. Review status: criteria provided, single submitter (1 of 4 stars). 2 submissions from 2 submitters: Likely pathogenic (1). 1 of the submissions does not count toward it.

Conditions:
Polycystic kidney disease, adult type (PKD1). Also called: Polycystic Kidney Disease 1, Autosomal Dominant; Polycystic kidney disease 1; Polycystic kidney disease 1, severe; Polycystic Kidney, Autosomal Dominant; POLYCYSTIC KIDNEY DISEASE, ADULT, TYPE I; POLYCYSTIC KIDNEY DISEASE 1 WITH OR WITHOUT POLYCYSTIC LIVER DISEASE. Identifiers: MedGen C3149841, MONDO:0008263, OMIM 173900.
Polycystic kidney disease. Also called: Polycystic kidney dysplasia; Kidney, Polycystic. Identifiers: MedGen C0022680, MeSH D007690, MONDO:0020642, HP:0000113.

Submissions (2):

Juno Genomics, Hangzhou Juno Genomics, Inc
Classification: Likely pathogenic for Polycystic kidney disease, adult type. Review status: criteria provided, single submitter. Criteria: ACMG Guidelines, 2015. Collection method: clinical testing. Allele origin: germline. Affected: yes.
Comment: Absent from controls (or at extremely low frequency if recessive) in Genome Aggregation Database.;Multiple lines of computational evidence support a deleterious effect on the gene or gene product.;The prevalence of the variant in affected individuals is significantly increased compared to the prevalence in controls.;Patient's phenotype or family history is highly specific for a disease with a single genetic etiology.

Department of Pathology and Laboratory Medicine, Sinai Health System
Classification: Likely pathogenic for Polycystic Kidney disease. Review status: no assertion criteria provided. Collection method: clinical testing. Allele origin: unknown. Affected: yes. Study: The Canadian Open Genetics Repository (COGR). Not counted in ClinVar's aggregate classification.
Comment: The PKD1 p.Gly2278Arg variant was identified in 1 of 404 proband chromosomes (frequency: 0.002) from individuals or families with Autosomal Dominant Polycystic Kidney Disease (Rossetti 2007). This study reported the variant as â€šÃ„Ãºlikely pathogenicâ€šÃ„Ã¹ based on the fact that the change is at an invariant residue in the REJ functional domain (Rossetti 2007). The variant was also identified in ADPKD Mutation Database (as â€šÃ„Ãºlikely pathogenicâ€šÃ„Ã¹). The variant was not found in the dbSNP, the Exome Aggregation Consortium (ExAC) database, Clinvitae, GeneInsight COGR, MutDB, PKD1-LOVD, or PKD1-LOVD 3.0 databases. The p.Gly2278 residue is conserved across mammals and other organisms, and four out of five computational analyses (PolyPhen-2, SIFT, AlignGVGD, BLOSUM, MutationTaster) suggest that the variant may impact the protein; however, this information is not predictive enough to assume pathogenicity. The variant occurs outside of the splicing consensus sequence and 2 of 5 in silico or computational prediction software programs (SpliceSiteFinder, MaxEntScan, NNSPLICE, GeneSplicer, HumanSpliceFinder) predict a difference in splicing. In summary, based on the above information, the clinical significance of this variant cannot be determined with certainty at this time although we would lean towards a more pathogenic role for this variant. This variant is classified as likely pathogenic.